The following is an entry in ClinVar:

NM_152594.3(SPRED1):c.412G>T (p.Asp138Tyr)

Gene: SPRED1 (sprouty related EVH1 domain containing 1; plus strand). Cytogenetic location: 15q14.
Variant type: single nucleotide variant.
Coding change: c.412G>T on transcript NM_152594.3 (MANE Select); coding-DNA position 412, G replaced by T.
Protein change: p.Asp138Tyr; replaces aspartic acid 138 with tyrosine.
Molecular consequence: missense variant.
Genome position (GRCh38, 1-based): chr15:38,324,798, G>T. VCF-style: chr15-38324798-G-T. GRCh37 (hg19) VCF-style: chr15-38616999-G-T.
Other names: short protein forms D138Y.
Identifiers: ClinVar variation 3800900 (VCV003800900.1).

ClinVar aggregate classification (germline): Uncertain significance (1 of 4 stars; one submission).

Conditions:
Cardiovascular phenotype. Identifiers: MedGen CN230736.

Submission:

Ambry Genetics
Classification: Uncertain significance for Cardiovascular phenotype. Last evaluated: 2025-01-06. Review status: criteria provided, single submitter. Criteria: Ambry Variant Classification Scheme 2023. Collection method: clinical testing. Allele origin: germline.
Comment: The p.D138Y variant (also known as c.412G>T), located in coding exon 4 of the SPRED1 gene, results from a G to T substitution at nucleotide position 412. The aspartic acid at codon 138 is replaced by tyrosine, an amino acid with highly dissimilar properties. This amino acid position is conserved. In addition, the in silico prediction for this alteration is inconclusive. Based on the available evidence, the clinical significance of this variant remains unclear.